The following is an entry in ClinVar:

ClinVar aggregate classification (germline): Uncertain significance (1 of 4 stars; one submission).

Conditions:
Hereditary cancer-predisposing syndrome. Also called: Neoplastic Syndromes, Hereditary; Tumor predisposition; Hereditary Cancer Syndrome; Hereditary neoplastic syndrome. Identifiers: Orphanet 140162, MedGen C0027672, MeSH D009386, MONDO:0015356.

Submission:

Ambry Genetics
Classification: Uncertain significance for Hereditary cancer-predisposing syndrome. Last evaluated: 2026-05-18. Review status: criteria provided, single submitter. Criteria: Ambry Variant Classification Scheme 2023. Collection method: clinical testing. Allele origin: germline.
Comment: The c.9257-381G>C intronic variant results from a G to C substitution 381 nucleotides upstream from coding exon 24 in the BRCA2 gene. This nucleotide position is not well conserved in available vertebrate species. In silico splice site analysis predicts that this alteration will result in the creation or strengthening of a novel splice donor site and will result in the creation or strengthening of a novel splice acceptor site. RNA studies have demonstrated that this variant results in a splice defect; the clinical impact of this abnormal splicing is unknown at this time (Ambry internal data). Based on the available evidence, the clinical significance of this variant remains unclear.

NM_000059.4(BRCA2):c.9257-381G>C

Gene: BRCA2 (BRCA2 DNA repair associated; plus strand). Cytogenetic location: 13q13.1.
Variant type: single nucleotide variant.
Coding change: c.9257-381G>C on transcript NM_000059.4 (MANE Select); 381 bases into the intron before coding-DNA position 9257, G replaced by C.
Molecular consequence: intron variant.
Genome position (GRCh38, 1-based): chr13:32,394,308, G>C. VCF-style: chr13-32394308-G-C. GRCh37 (hg19) VCF-style: chr13-32968445-G-C.
Other names: c.9206-381G>C (NM_001406720.1); c.9161-381G>C (NM_001406719.1); c.4325-381G>C (NM_001406721.1); c.2840-381G>C (NM_001406722.1).
Identifiers: ClinVar variation 2586308 (VCV002586308.3), dbSNP rs2548561692, ClinGen allele CA2582341820.